The following is an entry in ClinVar:

NM_017654.4(SAMD9):c.4202C>T (p.Thr1401Ile)

Gene: SAMD9 (sterile alpha motif domain containing 9; minus strand). Cytogenetic location: 7q21.2.
Variant type: single nucleotide variant.
Coding change: c.4202C>T on transcript NM_017654.4 (MANE Select); coding-DNA position 4202, C replaced by T.
Protein change: p.Thr1401Ile; replaces threonine 1401 with isoleucine.
Molecular consequence: missense variant.
Genome position (GRCh38, 1-based): chr7:93,101,896, G>A on the plus strand (C>T on the coding strand, the complement: SAMD9 is on the minus strand). VCF-style: chr7-93101896-G-A. GRCh37 (hg19) VCF-style: chr7-92731209-G-A.
Other names: c.4202C>T, p.Thr1401Ile (NM_001193307.2); short protein forms T1401I.
Identifiers: ClinVar variation 2630256 (VCV002630256.5), dbSNP rs1156660931, ClinGen allele CA368180209.

ClinVar aggregate classification (germline): Uncertain significance. Review status: criteria provided, multiple submitters, no conflicts (2 of 4 stars). 3 submissions from 3 submitters: Uncertain significance (3). Last evaluated 2025-10-27.

Conditions:
SAMD9-related disorder. Also called: SAMD9-related condition.
Inborn genetic diseases. Identifiers: MedGen C0950123, MeSH D030342.

gnomAD v4.1: 1 of 1,613,822 alleles (0.000062%); no homozygotes.

Submissions (3):

Ambry Genetics
Classification: Uncertain significance for Inborn genetic diseases. Last evaluated: 2025-10-27. Review status: criteria provided, single submitter. Criteria: Ambry Variant Classification Scheme 2023. Collection method: clinical testing. Allele origin: germline.
Comment: The p.T1401I variant (also known as c.4202C>T), located in coding exon 1 of the SAMD9 gene, results from a C to T substitution at nucleotide position 4202. The threonine at codon 1401 is replaced by isoleucine, an amino acid with similar properties. This amino acid position is conserved. In addition, this alteration is predicted to be tolerated by in silico analysis. Based on the available evidence, the clinical significance of this variant remains unclear.

Labcorp Genetics (formerly Invitae), Labcorp
Classification: Uncertain significance. Last evaluated: 2025-01-20. Review status: criteria provided, single submitter. Criteria: Invitae Variant Classification Sherloc (09022015). Collection method: clinical testing. Allele origin: germline.
Comment: This sequence change replaces threonine, which is neutral and polar, with isoleucine, which is neutral and non-polar, at codon 1401 of the SAMD9 protein (p.Thr1401Ile). This variant is present in population databases (no rsID available, gnomAD no frequency). This variant has not been reported in the literature in individuals affected with SAMD9-related conditions. ClinVar contains an entry for this variant (Variation ID: 2630256). Invitae Evidence Modeling of protein sequence and biophysical properties (such as structural, functional, and spatial information, amino acid conservation, physicochemical variation, residue mobility, and thermodynamic stability) indicates that this missense variant is not expected to disrupt SAMD9 protein function with a negative predictive value of 95%. In summary, the available evidence is currently insufficient to determine the role of this variant in disease. Therefore, it has been classified as a Variant of Uncertain Significance.

PreventionGenetics, part of Exact Sciences
Classification: Uncertain significance for SAMD9-related condition. Last evaluated: 2024-12-20. Review status: criteria provided, single submitter. Criteria: ACMG Guidelines, 2015. Collection method: clinical testing. Allele origin: germline.
Comment: The SAMD9 c.4202C>T variant is predicted to result in the amino acid substitution p.Thr1401Ile. To our knowledge, this variant has not been reported in the literature. This variant is present in 1 allele out 251,138 alleles in gnomAD. At this time, the clinical significance of this variant is uncertain due to the absence of conclusive functional and genetic evidence.